The following is an entry in ClinVar:

NM_000202.8(IDS):c.880-2A>G

Genes: IDS (iduronate 2-sulfatase; minus strand), LOC106050102 (IDS recombination region; plus strand). Cytogenetic location: Xq28.
Variant type: single nucleotide variant.
Coding change: c.880-2A>G on transcript NM_000202.8 (MANE Select); the canonical splice acceptor site of the intron before coding-DNA position 880, A replaced by G.
Molecular consequence: splice acceptor variant.
Genome position (GRCh38, 1-based): chrX:149,490,442, T>C on the plus strand (A>G on the coding strand, the complement: IDS is on the minus strand). VCF-style: chrX-149490442-T-C. GRCh37 (hg19) VCF-style: chrX-148571973-T-C.
Other names: c.610-2A>G (NM_001166550.4); c.880-2A>G (NM_006123.5).
Identifiers: ClinVar variation 2436753 (VCV002436753.5), dbSNP rs2520813902, ClinGen allele CA414520573.

ClinVar aggregate classification (germline): Pathogenic. Review status: criteria provided, multiple submitters, no conflicts (2 of 4 stars). 2 submissions from 2 submitters: Pathogenic (2). Last evaluated 2024-06-07.

Conditions:
Mucopolysaccharidosis, MPS-II (MPS2). Also called: Attenuated MPS (subtype; formerly known as mild MPS II); Severe MPS II; I2S deficiency; MPS 2; Hunter Syndrome; Mucopolysaccharidosis with skin involvement. Identifiers: Orphanet 580, Orphanet 79388, MedGen C0026705, MONDO:0010674, OMIM 309900.

Submissions (2):

Laboratory of Diagnosis and Therapy of Lysosomal Disorders, University of Padova
Classification: Pathogenic for Mucopolysaccharidosis, MPS-II. Last evaluated: 2024-06-07. Review status: criteria provided, single submitter. Criteria: ACMG Guidelines, 2015. Collection method: literature only. Allele origin: germline. Affected: yes. Observed: 4 variant alleles.
Comment: Null variant (PVS1_VeryStrong), Absent from controls (or at low frequency) in gnomAD database (PM2_Moderate), Patient’s phenotype or family history highly specific for the disease (PP4_Strong)

Classification method: ACMG Guidelines [PMID:25741868] with modifications

Revvity Omics, Revvity
Classification: Pathogenic for Mucopolysaccharidosis, MPS-II. Last evaluated: 2022-07-19. Review status: criteria provided, single submitter. Criteria: ACMG Guidelines, 2015. Collection method: clinical testing. Allele origin: germline.

Literature cited by the submitters: PubMed 9660053 (cited by Laboratory of Diagnosis and Therapy of Lysosomal Disorders, University of Padova); PubMed 7887413 (cited by Laboratory of Diagnosis and Therapy of Lysosomal Disorders, University of Padova); PubMed 33676511 (cited by Laboratory of Diagnosis and Therapy of Lysosomal Disorders, University of Padova); PubMed 36945845 (cited by Laboratory of Diagnosis and Therapy of Lysosomal Disorders, University of Padova).